The following is an entry in ClinVar:

NM_024426.6(WT1):c.405_413dup (p.Pro141_His142insProProPro)

Genes: WT1 (WT1 transcription factor; minus strand), LOC107982234 (WT1/WT1-AS bi-directional promoter region; plus strand). Cytogenetic location: 11p13.
Variant type: Duplication.
Coding change: c.405_413dup on transcript NM_024426.6 (MANE Select); coding-DNA positions 405 to 413, 9 bases duplicated (ACCCCCGCC; older notation c.405_413dupACCCCCGCC).
Protein change: p.Pro141_His142insProProPro.
Molecular consequence: inframe insertion. On other transcripts: inframe indel (1), non-coding transcript variant (2).
Genome position (GRCh38, 1-based): chr11:32,434,948-32,434,956, GGCGGGGGT duplicated on the plus strand (ACCCCCGCC on the coding strand, the reverse complement: WT1 is on the minus strand); duplicating any 9 consecutive bases within chr11:32,434,948-32,434,961 gives the same sequence; the c. name uses the placement nearest the transcript's 3' end. VCF-style (leftmost placement, unchanged base first): chr11-32434947-C-CGGCGGGGGT. GRCh37 (hg19) VCF-style: chr11-32456493-C-CGGCGGGGGT.
Other names: c.405_413dup, p.Pro141_His142insProProPro (NM_000378.6, NM_001407044.1, NM_001407045.1 and 6 more transcripts); c.385_393dup, p.Pro136_His137insProProPro (NM_024425.2).
Identifiers: ClinVar variation 2952389 (VCV002952389.3), dbSNP rs2494480645, ClinGen allele CA2740093679.
Genomic context (GRCh38, chr11:32,434,947, plus strand): 5'-CTCGTGCGGCTCCGCGCCGCCCCAGCTCGGCTCCTGTTTGATGAAGGAGTGAGGCGGCGG[C>CGGCGGGGGT]GGCGGGGGTGGCGGCGGAGCCGGTGGCGGCGCGGGGCCGCCCAACGACCCGTAAGCCGAA-3'

ClinVar aggregate classification (germline): Uncertain significance (1 of 4 stars; one submission).

Conditions:
Wilms tumor 1 (WT1). Also called: Wilms tumor, somatic. Identifiers: Orphanet 654, MedGen CN033288, MONDO:0008679, OMIM 194070.
11p partial monosomy syndrome (WAGR). Also called: WAGR syndrome; WAGR Complex; WAGR Spectrum Disorder; CHROMOSOME 11p13 DELETION SYNDROME. Identifiers: Orphanet 893, MedGen C0206115, MONDO:0008681, OMIM 194072.
Drash syndrome (DDS). Also called: WILMS TUMOR AND PSEUDO- OR TRUE HERMAPHRODITISM; NEPHROPATHY, WILMS TUMOR, AND GENITAL ANOMALIES. Identifiers: Orphanet 220, MedGen C0950121, MONDO:0008682, OMIM 194080.
Frasier syndrome. Identifiers: Orphanet 347, MedGen C0950122, MeSH D052159, MONDO:0007635, OMIM 136680.

Submission:

Labcorp Genetics (formerly Invitae), Labcorp
Classification: Uncertain significance for Wilms tumor 1; Drash syndrome; 11p partial monosomy syndrome; Frasier syndrome. Last evaluated: 2023-05-25. Review status: criteria provided, single submitter. Criteria: Invitae Variant Classification Sherloc (09022015). Collection method: clinical testing. Allele origin: germline.
Comment: In summary, the available evidence is currently insufficient to determine the role of this variant in disease. Therefore, it has been classified as a Variant of Uncertain Significance. This variant has not been reported in the literature in individuals affected with WT1-related conditions. This variant is not present in population databases (gnomAD no frequency). This variant, c.390_398dup, results in the insertion of 3 amino acid(s) of the WT1 protein (p.Pro134_Pro136dup), but otherwise preserves the integrity of the reading frame.